The following is an entry in ClinVar:

NM_030665.4(RAI1):c.1580G>A (p.Arg527His)

Gene: RAI1 (retinoic acid induced 1; plus strand). Cytogenetic location: 17p11.2.
Variant type: single nucleotide variant.
Coding change: c.1580G>A on transcript NM_030665.4 (MANE Select); coding-DNA position 1580, G replaced by A.
Protein change: p.Arg527His; replaces arginine 527 with histidine.
Molecular consequence: missense variant.
Genome position (GRCh38, 1-based): chr17:17,794,528, G>A. VCF-style: chr17-17794528-G-A. GRCh37 (hg19) VCF-style: chr17-17697842-G-A.
Other names: short protein forms R527H.
Identifiers: ClinVar variation 212001 (VCV000212001.14), dbSNP rs377314203, ClinGen allele CA205115.

ClinVar aggregate classification (germline): Conflicting classifications of pathogenicity. Review status: criteria provided, conflicting classifications (1 of 4 stars). 3 submissions from 3 submitters: Uncertain significance (1); Benign (1); Likely benign (1). Last evaluated 2025-12-21.

Conditions:
RAI1-related disorder. Also called: RAI1-related condition.

Allele frequency attached by ClinVar (database versions not stated): gnomAD exomes 0.00002 and 0.00004; ExAC 0.00006; gnomAD 0.00011 and 0.00013; ESP Exome Variant Server 0.00015; TOPMed 0.00018; 1000 Genomes Project 0.00080; 1000 Genomes Project 30x 0.00125.
gnomAD v4.1: 51 of 1,612,774 alleles (0.0032%); highest among the groups gnomAD compares: African/African-American, 0.036%; no homozygotes.

Submissions (3):

Labcorp Genetics (formerly Invitae), Labcorp
Classification: Benign. Last evaluated: 2025-12-21. Review status: criteria provided, single submitter. Criteria: Invitae Variant Classification Sherloc (09022015). Collection method: clinical testing. Allele origin: germline.

PreventionGenetics, part of Exact Sciences
Classification: Likely benign for RAI1-related condition. Last evaluated: 2025-03-19. Review status: criteria provided, single submitter. Criteria: ACMG Guidelines, 2015. Collection method: clinical testing. Allele origin: germline.
Comment: This variant is classified as likely benign based on ACMG/AMP sequence variant interpretation guidelines (Richards et al. 2015 PMID: 25741868, with internal and published modifications).

Genetic Services Laboratory, University of Chicago
Classification: Uncertain significance. Last evaluated: 2014-05-06. Review status: criteria provided, single submitter. Criteria: ACMG Guidelines, 2015. Collection method: clinical testing. Allele origin: germline.